The following is an entry in ClinVar:

ClinVar aggregate classification (germline): Benign (1 of 4 stars; one submission).

Allele frequency attached by ClinVar (database versions not stated): 1000 Genomes Project 30x 0.00468; 1000 Genomes Project 0.00539; gnomAD 0.00757; TOPMed 0.00784; gnomAD exomes 0.03846.
gnomAD v4.1: 1,168 of 152,364 alleles (0.77%); highest among the groups gnomAD compares: Non-Finnish European, 1.3%; 9 homozygotes.

Submission:

CeGaT Center for Human Genetics Tuebingen
Classification: Benign. Last evaluated: 2023-05-01. Review status: criteria provided, single submitter. Criteria: CeGaT Center For Human Genetics Tuebingen Variant Classification Criteria Version 2. Collection method: clinical testing. Allele origin: germline. Affected: yes. Observed: 6 variant alleles.
Comment: BCL11A: BS1, BS2

NM_022893.4(BCL11A):c.385+7591G>A

Gene: BCL11A (BCL11 transcription factor A; minus strand). Cytogenetic location: 2p16.1.
Variant type: single nucleotide variant.
Coding change: c.385+7591G>A on transcript NM_022893.4 (MANE Select); 7591 bases into the intron after coding-DNA position 385, G replaced by A.
Molecular consequence: intron variant.
Genome position (GRCh38, 1-based): chr2:60,538,380, C>T on the plus strand (G>A on the coding strand, the complement: BCL11A is on the minus strand). VCF-style: chr2-60538380-C-T. GRCh37 (hg19) VCF-style: chr2-60765515-C-T.
Other names: c.385+7591G>A (NM_138559.2, NM_018014.4, NM_001363864.1 and 10 more transcripts); c.-291+7591G>A (NM_001405731.1, NM_001405726.1, NM_001405725.1); c.229+7591G>A (NM_001405735.1, NM_001405722.1, NM_001405736.1 and 10 more transcripts); c.-148+7591G>A (NM_001405728.1, NM_001405727.1); c.-41+7591G>A (NM_001405721.1, NM_001405720.1).
Identifiers: ClinVar variation 2650969 (VCV002650969.24), dbSNP rs114725095, ClinGen allele CA49026562.